The following is an entry in ClinVar:

ClinVar aggregate classification (germline): Likely pathogenic (1 of 4 stars; one submission).

Conditions:
X-linked immunodeficiency with magnesium defect, Epstein-Barr virus infection and neoplasia. Identifiers: Orphanet 317476, MedGen C3275445, MONDO:0010455, OMIM 300853.

Submission:

Labcorp Genetics (formerly Invitae), Labcorp
Classification: Likely pathogenic for X-linked immunodeficiency with magnesium defect, Epstein-Barr virus infection and neoplasia. Last evaluated: 2025-01-30. Review status: criteria provided, single submitter. Criteria: Invitae Variant Classification Sherloc (09022015). Collection method: clinical testing. Allele origin: germline.
Comment: This sequence change affects an acceptor splice site in intron 4 of the MAGT1 gene. It is expected to disrupt RNA splicing. Variants that disrupt the donor or acceptor splice site typically lead to a loss of protein function (PMID: 16199547), and loss-of-function variants in MAGT1 are known to be pathogenic (PMID: 24550228). This variant is not present in population databases (gnomAD no frequency). This variant has not been reported in the literature in individuals affected with MAGT1-related conditions. Algorithms developed to predict the effect of sequence changes on RNA splicing suggest that this variant may disrupt the consensus splice site. In summary, the currently available evidence indicates that the variant is pathogenic, but additional data are needed to prove that conclusively. Therefore, this variant has been classified as Likely Pathogenic.

Literature cited by the submitters: PubMed 16199547; PubMed 24550228.

NM_001367916.1(MAGT1):c.532-2A>C

Gene: MAGT1 (magnesium transporter 1; minus strand). Cytogenetic location: Xq21.1.
Variant type: single nucleotide variant.
Coding change: c.532-2A>C on transcript NM_001367916.1 (MANE Select); the canonical splice acceptor site of the intron before coding-DNA position 532, A replaced by C.
Molecular consequence: splice acceptor variant.
Genome position (GRCh38, 1-based): chrX:77,856,875, T>G on the plus strand (A>C on the coding strand, the complement: MAGT1 is on the minus strand). VCF-style: chrX-77856875-T-G. GRCh37 (hg19) VCF-style: chrX-77112372-T-G.
Other names: c.628-2A>C (NM_032121.5).
Identifiers: ClinVar variation 4712061 (VCV004712061.1).
Genomic context (GRCh38, chrX:77,856,875, plus strand): 5'-GCCAAAAGCAATCCCAACATAAGGGGACCAGCATAATTTGGGGGTCTAATCACTCTAATC[T>G]AATGGAAAGGAGAGAAAAACATGTTAAAGTATAAAATTTTTTTACTAATTATATGGGTCA-3'